The following is an entry in ClinVar:

NM_020706.2(SCAF4):c.874G>A (p.Ala292Thr)

Gene: SCAF4 (SR-related CTD associated factor 4; minus strand). Cytogenetic location: 21q22.11.
Variant type: single nucleotide variant.
Coding change: c.874G>A on transcript NM_020706.2 (MANE Select); coding-DNA position 874, G replaced by A.
Protein change: p.Ala292Thr; replaces alanine 292 with threonine.
Molecular consequence: missense variant.
Genome position (GRCh38, 1-based): chr21:31,696,654, C>T on the plus strand (G>A on the coding strand, the complement: SCAF4 is on the minus strand). VCF-style: chr21-31696654-C-T. GRCh37 (hg19) VCF-style: chr21-33068967-C-T.
Other names: c.829G>A, p.Ala277Thr (NM_001145444.1); c.874G>A, p.Ala292Thr (NM_001145445.1); short protein forms A277T, A292T.
Identifiers: ClinVar variation 4076891 (VCV004076891.1).
Genomic context (GRCh38, chr21:31,696,654, plus strand): 5'-AGGCAGCAGCGGGTGCAGCAGCAGCAGGCACGGTGGCGGTGGGTGCAGGGGGTACTGCGG[C>T]AGCAGGTGCTGTCGTGGTGACGGCAGTGGTATCCTCTTTCTTTGATTCTTCCACAGCTTC-3'
Protein context (NP_065757.1, residues 282-302): TTAVTTTAPA[Ala292Thr]AVPPAPTATV

ClinVar aggregate classification (germline): Uncertain significance (1 of 4 stars; one submission).

Submission:

GeneDx
Classification: Uncertain significance. Last evaluated: 2025-02-20. Review status: criteria provided, single submitter. Criteria: GeneDx Variant Classification Process June 2021. Collection method: clinical testing. Allele origin: germline. Affected: yes.
Comment: Not observed at significant frequency in large population cohorts (gnomAD); In silico analysis indicates that this missense variant does not alter protein structure/function; Has not been previously published as pathogenic or benign to our knowledge